The following is an entry in ClinVar:

NM_001029883.3(PCARE):c.1190G>A (p.Trp397Ter)

Gene: PCARE (photoreceptor cilium actin regulator; minus strand). Cytogenetic location: 2p23.2.
Variant type: single nucleotide variant.
Coding change: c.1190G>A on transcript NM_001029883.3 (MANE Select); coding-DNA position 1190, G replaced by A.
Protein change: p.Trp397Ter; replaces tryptophan 397 with a stop codon.
Molecular consequence: nonsense.
Genome position (GRCh38, 1-based): chr2:29,073,072, C>T on the plus strand (G>A on the coding strand, the complement: PCARE is on the minus strand). VCF-style: chr2-29073072-C-T. GRCh37 (hg19) VCF-style: chr2-29295938-C-T.
Other names: short protein forms W397*.
Identifiers: ClinVar variation 3668635 (VCV003668635.2).

ClinVar aggregate classification (germline): Pathogenic (1 of 4 stars; one submission).

Submission:

Labcorp Genetics (formerly Invitae), Labcorp
Classification: Pathogenic. Last evaluated: 2024-11-19. Review status: criteria provided, single submitter. Criteria: Invitae Variant Classification Sherloc (09022015). Collection method: clinical testing. Allele origin: germline.
Comment: This sequence change creates a premature translational stop signal (p.Trp397*) in the PCARE gene. It is expected to result in an absent or disrupted protein product. Loss-of-function variants in PCARE are known to be pathogenic (PMID: 20398886, 24339724, 26496393). This variant is not present in population databases (gnomAD no frequency). This variant has not been reported in the literature in individuals affected with PCARE-related conditions. For these reasons, this variant has been classified as Pathogenic.

Literature cited by the submitters: PubMed 20398886; PubMed 24339724; PubMed 26496393.